The following is an entry in ClinVar:

NM_000143.4(FH):c.691A>C (p.Ile231Leu)

Gene: FH (fumarate hydratase; minus strand). Cytogenetic location: 1q43.
Variant type: single nucleotide variant.
Coding change: c.691A>C on transcript NM_000143.4 (MANE Select); coding-DNA position 691, A replaced by C.
Protein change: p.Ile231Leu; replaces isoleucine 231 with leucine.
Molecular consequence: missense variant.
Genome position (GRCh38, 1-based): chr1:241,508,650, T>G on the plus strand (A>C on the coding strand, the complement: FH is on the minus strand). VCF-style: chr1-241508650-T-G. GRCh37 (hg19) VCF-style: chr1-241671950-T-G.
Other names: short protein forms I231L.
Identifiers: ClinVar variation 1214458 (VCV001214458.15), dbSNP rs1659991322, ClinGen allele CA345439232.

ClinVar aggregate classification (germline): Uncertain significance. Review status: criteria provided, multiple submitters, no conflicts (2 of 4 stars). 4 submissions from 4 submitters: Uncertain significance (3). 1 of the submissions does not count toward it. Last evaluated 2025-11-28.

Conditions:
Hereditary cancer-predisposing syndrome. Also called: Hereditary neoplastic syndrome; Neoplastic Syndromes, Hereditary; Tumor predisposition; Hereditary Cancer Syndrome. Identifiers: Orphanet 140162, MedGen C0027672, MeSH D009386, MONDO:0015356.
Fumarase deficiency (FMRD). Also called: Fumarate Hydratase Deficiency; Fumaric aciduria. Identifiers: Orphanet 24, MedGen C0342770, MONDO:0011730, OMIM 606812.

Submissions (4):

Labcorp Genetics (formerly Invitae), Labcorp
Classification: Uncertain significance. Last evaluated: 2025-11-28. Review status: criteria provided, single submitter. Criteria: Invitae Variant Classification Sherloc (09022015). Collection method: clinical testing. Allele origin: germline.
Comment: This sequence change replaces isoleucine, which is neutral and non-polar, with leucine, which is neutral and non-polar, at codon 231 of the FH protein (p.Ile231Leu). This variant is not present in population databases (gnomAD no frequency). This variant has not been reported in the literature in individuals affected with FH-related conditions. ClinVar contains an entry for this variant (Variation ID: 1214458). Invitae Evidence Modeling of protein sequence and biophysical properties (such as structural, functional, and spatial information, amino acid conservation, physicochemical variation, residue mobility, and thermodynamic stability) indicates that this missense variant is expected to disrupt FH protein function with a positive predictive value of 95%. In summary, the available evidence is currently insufficient to determine the role of this variant in disease. Therefore, it has been classified as a Variant of Uncertain Significance.

Ambry Genetics
Classification: Uncertain significance for Hereditary cancer-predisposing syndrome. Last evaluated: 2025-01-24. Review status: criteria provided, single submitter. Criteria: Ambry Variant Classification Scheme 2023. Collection method: clinical testing. Allele origin: germline.
Comment: The p.I231L variant (also known as c.691A>C), located in coding exon 5 of the FH gene, results from an A to C substitution at nucleotide position 691. The isoleucine at codon 231 is replaced by leucine, an amino acid with highly similar properties. This amino acid position is highly conserved in available vertebrate species. In addition, this alteration is predicted to be deleterious by in silico analysis. Since supporting evidence is limited at this time, the clinical significance of this alteration remains unclear.

GeneDx
Classification: Uncertain significance. Last evaluated: 2022-12-08. Review status: criteria provided, single submitter. Criteria: GeneDx Variant Classification Process June 2021. Collection method: clinical testing. Allele origin: germline. Affected: yes.
Comment: Not observed at significant frequency in large population cohorts (gnomAD); In silico analysis supports that this missense variant does not alter protein structure/function; Has not been previously published as pathogenic or benign to our knowledge

Natera, Inc.
Classification: Uncertain significance for Fumarase Deficiency. Last evaluated: 2021-01-20. Review status: no assertion criteria provided. Collection method: clinical testing. Allele origin: germline. Not counted in ClinVar's aggregate classification.